The following is an entry in ClinVar:

ClinVar aggregate classification (germline): Likely pathogenic (1 of 4 stars; one submission).

Submission:

Labcorp Genetics (formerly Invitae), Labcorp
Classification: Likely pathogenic. Last evaluated: 2024-01-24. Review status: criteria provided, single submitter. Criteria: Invitae Variant Classification Sherloc (09022015). Collection method: clinical testing. Allele origin: unknown.
Comment: This variant results in a copy number gain of the genomic region encompassing exon(s) 41-47 of the FRAS1 gene. While the exact position of this variant cannot be determined from the data, sub-genic copy number gains are generally in tandem (PMID: 25640679). This variant is predicted to be out-of-frame, and may result in an absent or disrupted protein product. Loss-of-function variants in FRAS1 are known to be pathogenic (PMID: 12766769, 18671281). This variant has not been reported in the literature in individuals affected with FRAS1-related conditions. In summary, the currently available evidence indicates that the variant is pathogenic, but additional data are needed to prove that conclusively. Therefore, this variant has been classified as Likely Pathogenic.

Literature cited by the submitters: PubMed 25640679; PubMed 12766769; PubMed 18671281.

NC_000004.11:g.(?_79362296)_(79373528_?)dup

Gene: FRAS1 (Fraser extracellular matrix complex subunit 1; plus strand). Cytogenetic location: 4q21.21.
Variant type: Duplication.
Identifiers: ClinVar variation 3246767 (VCV003246767.1).